The following is an entry in ClinVar:

ClinVar aggregate classification (germline): Likely benign (0 of 4 stars; one submission).

Conditions:
FOXJ1-related disorder. Also called: FOXJ1-related condition.

Allele frequency attached by ClinVar (database versions not stated): ExAC 0.00036; 1000 Genomes Project 0.00060; 1000 Genomes Project 30x 0.00094.
gnomAD v4.1: 1,147 of 1,459,044 alleles (0.079%); highest among the groups gnomAD compares: Non-Finnish European, 0.096%; 2 homozygotes.

Submission:

PreventionGenetics, part of Exact Sciences
Classification: Likely benign for FOXJ1-related condition. Last evaluated: 2023-03-09. Review status: no assertion criteria provided. Collection method: clinical testing. Allele origin: germline.
Comment: This variant is classified as likely benign based on ACMG/AMP sequence variant interpretation guidelines (Richards et al. 2015 PMID: 25741868, with internal and published modifications).

NM_001454.4(FOXJ1):c.222C>A (p.Pro74=)

Genes: FOXJ1 (forkhead box J1; minus strand), LOC130061707 (ATAC-STARR-seq lymphoblastoid silent region 9003; plus strand). Cytogenetic location: 17q25.1.
Variant type: single nucleotide variant.
Coding change: c.222C>A on transcript NM_001454.4 (MANE Select); coding-DNA position 222, C replaced by A.
Protein change: p.Pro74=; no amino-acid change (proline 74 retained).
Molecular consequence: synonymous variant.
Genome position (GRCh38, 1-based): chr17:76,140,174, G>T on the plus strand (C>A on the coding strand, the complement: FOXJ1 is on the minus strand). VCF-style: chr17-76140174-G-T. GRCh37 (hg19) VCF-style: chr17-74136255-G-T.
Identifiers: ClinVar variation 3049566 (VCV003049566.2), dbSNP rs577135004, ClinGen allele CA8782097.